The following is an entry in ClinVar:

NM_001127511.3(APC):c.-18C>T

Gene: APC (APC regulator of Wnt signaling pathway; plus strand). Cytogenetic location: 5q22.2.
Variant type: single nucleotide variant.
Coding change: c.-18C>T on transcript NM_001127511.3; 18 bases upstream of the start codon, C replaced by T.
Molecular consequence: 5 prime UTR variant. On other transcripts: non-coding transcript variant (1), intron variant (5).
Genome position (GRCh38, 1-based): chr5:112,707,700, C>T. VCF-style: chr5-112707700-C-T. GRCh37 (hg19) VCF-style: chr5-112043397-C-T.
Other names: c.-201C>T (NM_001354895.2, NM_001407447.1, NM_001407452.1 and 3 more transcripts); c.-18C>T (NM_001354897.2, NM_001354902.2, NM_001407446.1); c.-1236C>T (NM_001407470.1, NM_001407472.1); c.-19+51C>T (NM_001407448.1, NM_001407450.1, NM_001407457.1 and 1 more transcripts); c.-43+51C>T (NM_001407453.1).
Identifiers: ClinVar variation 1512573 (VCV001512573.6), dbSNP rs1357561329, ClinGen allele CA802057269.

ClinVar aggregate classification (germline): Uncertain significance (1 of 4 stars; one submission).

Conditions:
Familial adenomatous polyposis 1 (FAP1). Also called: FAMILIAL ADENOMATOUS POLYPOSIS 1, ATTENUATED; POLYPOSIS, ADENOMATOUS INTESTINAL. Identifiers: MedGen C2713442, MONDO:0021056, OMIM 175100. Disease mechanism: loss of function.

Submission:

Labcorp Genetics (formerly Invitae), Labcorp
Classification: Uncertain significance for Familial adenomatous polyposis 1. Last evaluated: 2023-09-04. Review status: criteria provided, single submitter. Criteria: Invitae Variant Classification Sherloc (09022015). Collection method: clinical testing. Allele origin: germline.
Comment: This variant has not been reported in the literature in individuals affected with APC-related conditions. This variant occurs in a non-coding region of the APC gene. It does not change the encoded amino acid sequence of the APC protein. This variant is not present in population databases (gnomAD no frequency). Experimental studies and prediction algorithms are not available or were not evaluated, and the functional significance of this variant is currently unknown. In summary, the available evidence is currently insufficient to determine the role of this variant in disease. Therefore, it has been classified as a Variant of Uncertain Significance.